The following is an entry in ClinVar:

NM_004369.4(COL6A3):c.7400C>T (p.Ser2467Leu)

Gene: COL6A3 (collagen type VI alpha 3 chain; minus strand). Cytogenetic location: 2q37.3.
Variant type: single nucleotide variant.
Coding change: c.7400C>T on transcript NM_004369.4 (MANE Select); coding-DNA position 7400, C replaced by T.
Protein change: p.Ser2467Leu; replaces serine 2467 with leucine.
Molecular consequence: missense variant.
Genome position (GRCh38, 1-based): chr2:237,344,618, G>A on the plus strand (C>T on the coding strand, the complement: COL6A3 is on the minus strand). VCF-style: chr2-237344618-G-A. GRCh37 (hg19) VCF-style: chr2-238253261-G-A.
Other names: c.5579C>T, p.Ser1860Leu (NM_057166.5); c.6782C>T, p.Ser2261Leu (NM_057167.4); short protein forms S1860L, S2261L.
Identifiers: ClinVar variation 94986 (VCV000094986.59), dbSNP rs111803773, ClinGen allele CA148027.

ClinVar aggregate classification (germline): Conflicting classifications of pathogenicity. Review status: criteria provided, conflicting classifications (1 of 4 stars). 7 submissions from 7 submitters: Uncertain significance (1); Benign (1); Likely benign (4). 1 of the submissions does not count toward it. Last evaluated 2026-01-11.

Conditions:
Inborn genetic diseases. Identifiers: MedGen C0950123, MeSH D030342.
COL6A3-related disorder. Also called: COL6A3-related condition; COL6A3-related disorders.
Bethlem myopathy 1A. Also called: MYOPATHY, BENIGN CONGENITAL, WITH CONTRACTURES; Bethlem myopathy 1; Bethlem Muscular Dystrophy. Identifiers: Orphanet 610, MedGen CN029274, MONDO:0024530, OMIM 158810.

Allele frequency attached by ClinVar (database versions not stated): 1000 Genomes Project 0.00180; ESP Exome Variant Server 0.00269; ExAC 0.00067; 1000 Genomes Project 30x 0.00187; gnomAD 0.00225 and 0.00208; gnomAD exomes 0.00021 and 0.00054; TOPMed 0.00227.
gnomAD v4.1: 626 of 1,614,152 alleles (0.039%); highest among the groups gnomAD compares: African/African-American, 0.7%; 5 homozygotes.

Submissions (7):

Labcorp Genetics (formerly Invitae), Labcorp
Classification: Likely benign for Bethlem myopathy 1A. Last evaluated: 2026-01-11. Review status: criteria provided, single submitter. Criteria: Invitae Variant Classification Sherloc (09022015). Collection method: clinical testing. Allele origin: germline.

Women's Health and Genetics/Laboratory Corporation of America, LabCorp
Classification: Likely benign. Last evaluated: 2025-04-07. Review status: criteria provided, single submitter. Criteria: LabCorp Variant Classification Summary - May 2015. Collection method: clinical testing. Allele origin: germline.
Comment: Variant summary: COL6A3 c.7400C>T (p.Ser2467Leu) results in a non-conservative amino acid change located in the von Willebrand factor (vWF) type A domain (IPR002035) of the encoded protein sequence. Three of five in-silico tools predict a benign effect of the variant on protein function. The variant allele was found at a frequency of 0.00054 in 251384 control chromosomes, predominantly at a frequency of 0.0076 within the African or African-American subpopulation in the gnomAD database. The observed variant frequency within African or African-American control individuals in the gnomAD database is approximately 2.15 fold of the estimated maximal expected allele frequency for a pathogenic variant in COL6A3 causing Ullrich congenital muscular dystrophy 1-AR phenotype (0.0035). To our knowledge, no occurrence of c.7400C>T in individuals affected with Ullrich congenital muscular dystrophy 1-AR and no experimental evidence demonstrating its impact on protein function have been reported. ClinVar contains an entry for this variant (Variation ID: 94986). Based on the evidence outlined above, the variant was classified as likely benign.

Ambry Genetics
Classification: Uncertain significance for Inborn genetic diseases. Last evaluated: 2024-08-01. Review status: criteria provided, single submitter. Criteria: Ambry Variant Classification Scheme 2023. Collection method: clinical testing. Allele origin: germline.

GeneDx
Classification: Likely benign. Last evaluated: 2017-12-12. Review status: criteria provided, single submitter. Criteria: GeneDx Variant Classification (06012015). Collection method: clinical testing. Allele origin: germline. Affected: yes.
Comment: This variant is considered likely benign or benign based on one or more of the following criteria: it is a conservative change, it occurs at a poorly conserved position in the protein, it is predicted to be benign by multiple in silico algorithms, and/or has population frequency not consistent with disease.

Eurofins Ntd Llc (ga)
Classification: Benign. Last evaluated: 2012-11-05. Review status: criteria provided, single submitter. Criteria: EGL Classification Definitions 2015. Collection method: clinical testing. Allele origin: germline. Observed: 1 variant allele, 1 heterozygote.

Breakthrough Genomics
Classification: Likely benign. Review status: criteria provided, single submitter. Criteria: ACMG Guidelines, 2015. Collection method: not provided. Allele origin: germline. Inheritance: Autosomal recessive inheritance. Affected: yes.

PreventionGenetics, part of Exact Sciences
Classification: Likely benign for COL6A3-related condition. Last evaluated: 2020-10-20. Review status: no assertion criteria provided. Collection method: clinical testing. Allele origin: germline. Not counted in ClinVar's aggregate classification.
Comment: This variant is classified as likely benign based on ACMG/AMP sequence variant interpretation guidelines (Richards et al. 2015 PMID: 25741868, with internal and published modifications).